The following is an entry in ClinVar:

ClinVar aggregate classification (germline): Uncertain significance. Review status: criteria provided, multiple submitters, no conflicts (2 of 4 stars). 2 submissions from 2 submitters: Uncertain significance (2). Last evaluated 2022-10-18.

Conditions:
Blepharophimosis - intellectual disability syndrome, SBBYS type (SBBYSS). Also called: Say-Barber-Biesecker-Young-Simpson variant of Ohdo Syndrome; Say-Barber-Biesecker Variant of Ohdo Syndrome; Say-Barber-Biesecker variant of Ohdo syndrome (SBBYSS); Ohdo syndrome, SBBYS variant; SBBYSS syndrome; Say-Barber-Biesecker-Young-Simpson syndrome. Identifiers: Orphanet 3047, MedGen C1863557, MONDO:0011365, OMIM 603736.
Genitopatellar syndrome (GTPTS). Also called: Genitopatellar syndrome (GPS); ABSENT PATELLAE, SCROTAL HYPOPLASIA, RENAL ANOMALIES, FACIAL DYSMORPHISM, AND MENTAL RETARDATION. Identifiers: Orphanet 85201, MedGen C1853566, MONDO:0011640, OMIM 606170.

gnomAD v4.1: 30 of 1,612,938 alleles (0.0019%); highest among the groups gnomAD compares: South Asian, 0.0066%; no homozygotes.

Submissions (2):

Labcorp Genetics (formerly Invitae), Labcorp
Classification: Uncertain significance for Genitopatellar syndrome. Last evaluated: 2022-10-18. Review status: criteria provided, single submitter. Criteria: Invitae Variant Classification Sherloc (09022015). Collection method: clinical testing. Allele origin: germline.
Comment: This sequence change falls in intron 11 of the KAT6B gene. It does not directly change the encoded amino acid sequence of the KAT6B protein. It affects a nucleotide within the consensus splice site. In summary, the available evidence is currently insufficient to determine the role of this variant in disease. Therefore, it has been classified as a Variant of Uncertain Significance. Variants that disrupt the consensus splice site are a relatively common cause of aberrant splicing (PMID: 17576681, 9536098). Algorithms developed to predict the effect of sequence changes on RNA splicing suggest that this variant is not likely to affect RNA splicing. ClinVar contains an entry for this variant (Variation ID: 1439711). This variant has not been reported in the literature in individuals affected with KAT6B-related conditions. This variant is present in population databases (rs192506542, gnomAD 0.002%).

Fulgent Genetics
Classification: Uncertain significance for Blepharophimosis - intellectual disability syndrome, SBBYS type; Genitopatellar syndrome. Last evaluated: 2022-05-23. Review status: criteria provided, single submitter. Criteria: ACMG Guidelines, 2015. Collection method: clinical testing. Allele origin: unknown.

Literature cited by the submitters: PubMed 17576681 (cited by Labcorp Genetics (formerly Invitae), Labcorp); PubMed 9536098 (cited by Labcorp Genetics (formerly Invitae), Labcorp).

NM_012330.4(KAT6B):c.2373+6C>A

Gene: KAT6B (lysine acetyltransferase 6B; plus strand). Cytogenetic location: 10q22.2.
Variant type: single nucleotide variant.
Coding change: c.2373+6C>A on transcript NM_012330.4 (MANE Select); 6 bases into the intron after coding-DNA position 2373, C replaced by A.
Molecular consequence: intron variant.
Genome position (GRCh38, 1-based): chr10:74,981,934, C>A. VCF-style: chr10-74981934-C-A. GRCh37 (hg19) VCF-style: chr10-76741692-C-A.
Other names: c.1497+6C>A (NM_001370139.1, NM_001370140.1, NM_001370141.1 and 3 more transcripts); c.2373+6C>A (NM_001370136.1, NM_001370137.1); c.1824+6C>A (NM_001370138.1, NM_001256468.2); c.847-7085C>A (NM_001370133.1); c.450+6C>A (NM_001370134.1); c.1308+6C>A (NM_001370143.1, NM_001370144.1); c.193-7085C>A (NM_001370135.1).
Identifiers: ClinVar variation 1439711 (VCV001439711.7), dbSNP rs192506542, ClinGen allele CA5564578.
Genomic context (GRCh38, chr10:74,981,934, plus strand): 5'-GTTTCATCCTCCAGCAAATGAAATTTACCGAAGGAAAGACCTTTCAGTATTTGAGGTAAG[C>A]GCGTGTAAATAAAAAAATTCAGCTTTTTGAAATCTAGTACTCCTAATTGTTGACTATGTG-3'